The following is an entry in ClinVar:

NM_005876.5(SPEG):c.8733AGCCCCTGAGCCCCC[1] (p.2912APEPP[1])

Genes: ASIC4-AS1 (ASIC4 antisense RNA 1; minus strand), SPEG (striated muscle enriched protein kinase; plus strand). Cytogenetic location: 2q35.
Variant type: Microsatellite.
Coding change: c.8733AGCCCCTGAGCCCCC[1] on transcript NM_005876.5 (MANE Select); one copy of the 15-base unit AGCCCCTGAGCCCCC starting at c.8733; the reference has two copies in a row; one copy, 15 bases deleted.
Protein change: p.2912APEPP[1].
Molecular consequence: inframe deletion.
Genome position (GRCh38, 1-based): chr2:219,489,766-219,489,780, AGCCCCTGAGCCCCC deleted; deleting any 15 consecutive bases within chr2:219,489,749-219,489,780 gives the same sequence; the position shown is the placement nearest the transcript's 3' end. VCF-style (leftmost placement, unchanged base first): chr2-219489748-ACCAGCCCCTGAGCCC-A. GRCh37 (hg19) VCF-style: chr2-220354470-ACCAGCCCCTGAGCCC-A.
Identifiers: ClinVar variation 1384871 (VCV001384871.8), dbSNP rs773213546, ClinGen allele CA2127554.

ClinVar aggregate classification (germline): Uncertain significance (1 of 4 stars; one submission).

Submission:

Labcorp Genetics (formerly Invitae), Labcorp
Classification: Uncertain significance. Last evaluated: 2025-06-13. Review status: criteria provided, single submitter. Criteria: Invitae Variant Classification Sherloc (09022015). Collection method: clinical testing. Allele origin: germline.
Comment: This variant, c.8748_8762del, results in the deletion of 5 amino acid(s) of the SPEG protein (p.Ala2917_Pro2921del), but otherwise preserves the integrity of the reading frame. This variant is present in population databases (rs773213546, gnomAD 0.01%). This variant has not been reported in the literature in individuals affected with SPEG-related conditions. Experimental studies and prediction algorithms are not available or were not evaluated, and the functional significance of this variant is currently unknown. In summary, the available evidence is currently insufficient to determine the role of this variant in disease. Therefore, it has been classified as a Variant of Uncertain Significance.